The following is an entry in ClinVar:

NM_020911.2(PLXNA4):c.2405A>G (p.Tyr802Cys)

Gene: PLXNA4 (plexin A4; minus strand). Cytogenetic location: 7q32.3.
Variant type: single nucleotide variant.
Coding change: c.2405A>G on transcript NM_020911.2 (MANE Select); coding-DNA position 2405, A replaced by G.
Protein change: p.Tyr802Cys; replaces tyrosine 802 with cysteine.
Molecular consequence: missense variant.
Genome position (GRCh38, 1-based): chr7:132,202,827, T>C on the plus strand (A>G on the coding strand, the complement: PLXNA4 is on the minus strand). VCF-style: chr7-132202827-T-C. GRCh37 (hg19) VCF-style: chr7-131887586-T-C.
Other names: c.2405A>G, p.Tyr802Cys (NM_001393897.1); short protein forms Y802C.
Identifiers: ClinVar variation 4984433 (VCV004984433.1).

ClinVar aggregate classification (germline): Uncertain significance (1 of 4 stars; one submission).

Conditions:
PLXNA4-related disorder. Also called: PLXNA4-related condition.

Submission:

PreventionGenetics, part of Exact Sciences
Classification: Uncertain significance for PLXNA4-related condition. Last evaluated: 2026-09-14. Review status: criteria provided, single submitter. Criteria: ACMG Guidelines, 2015. Collection method: clinical testing. Allele origin: germline.
Comment: The PLXNA4 c.2405A>G variant is predicted to result in the amino acid substitution p.Tyr802Cys. To our knowledge, this variant has not been reported in the literature or in a large population database (gnomAD), indicating this variant is rare. At this time, the clinical significance of this variant is uncertain due to the absence of conclusive functional and genetic evidence.